The following is an entry in ClinVar:

ClinVar aggregate classification (germline): Benign. Review status: criteria provided, multiple submitters, no conflicts (2 of 4 stars). 5 submissions from 3 submitters: Benign (5). Last evaluated 2018-06-14.

Conditions:
Osteogenesis imperfecta (OI). Identifiers: Orphanet 666, MedGen C0029434, MeSH D010013, MONDO:0019019.
Infantile cortical hyperostosis. Also called: P1PK BLOOD GROUP SYSTEM, P(2) PHENOTYPE; Hyperostosis, Cortical, Congenital; Caffey Disease. Identifiers: Orphanet 1310, MedGen C0020497, MONDO:0007244, OMIM 114000.
Ehlers-Danlos syndrome, arthrochalasia type. Also called: ARTHROCHALASIS MULTIPLEX CONGENITA; EDS VII, MUTANT PROCOLLAGEN TYPE; EDS VIIA; Ehlers-Danlos syndrome, arthrochalasia type, 1; Ehlers-Danlos syndrome, arthrochalasis type. Identifiers: Orphanet 1899, Orphanet 99875, Orphanet 99876, MedGen C4551623, MONDO:0007525, OMIM 130060.

Allele frequency attached by ClinVar (database versions not stated): TOPMed 0.31747; 1000 Genomes Project 0.37859.
gnomAD v4.1: 415,450 of 1,493,578 alleles (28%); highest among the groups gnomAD compares: East Asian, 45%; 60,684 homozygotes.

Submissions (5):

GeneDx
Classification: Benign. Last evaluated: 2018-06-14. Review status: criteria provided, single submitter. Criteria: GeneDx Variant Classification Process June 2021. Collection method: clinical testing. Allele origin: germline. Affected: yes.

Illumina Laboratory Services, Illumina
Classification: Benign for Ehlers-Danlos syndrome, arthrochalasia type. Last evaluated: 2018-01-13. Review status: criteria provided, single submitter. Criteria: ICSL Variant Classification Criteria 13 December 2019. Collection method: clinical testing. Allele origin: germline.
Comment: This variant was observed in the ICSL laboratory as part of a predisposition screen in an ostensibly healthy population. It had not been previously curated by ICSL or reported in the Human Gene Mutation Database (HGMD: prior to June 1st, 2018), and was therefore a candidate for classification through an automated scoring system. Utilizing variant allele frequency, disease prevalence and penetrance estimates, and inheritance mode, an automated score was calculated to assess if this variant is too frequent to cause the disease. Based on the score and internal cut-off values, a variant classified as benign is not then subjected to further curation. The score for this variant resulted in a classification of benign for this disease.

Illumina Laboratory Services, Illumina
Classification: Benign for Infantile cortical hyperostosis. Last evaluated: 2018-01-13. Review status: criteria provided, single submitter. Criteria: ICSL Variant Classification Criteria 13 December 2019. Collection method: clinical testing. Allele origin: germline.
Comment: the same text as in the submission from Illumina Laboratory Services, Illumina above.

Illumina Laboratory Services, Illumina
Classification: Benign for Osteogenesis imperfecta. Last evaluated: 2018-01-13. Review status: criteria provided, single submitter. Criteria: ICSL Variant Classification Criteria 13 December 2019. Collection method: clinical testing. Allele origin: germline.
Comment: the same text as in the submission from Illumina Laboratory Services, Illumina above.

Breakthrough Genomics
Classification: Benign. Review status: criteria provided, single submitter. Criteria: ACMG Guidelines, 2015. Collection method: not provided. Allele origin: germline. Inheritance: Autosomal dominant inheritance. Affected: yes.

NM_000088.4(COL1A1):c.*88T>C

Gene: COL1A1 (collagen type I alpha 1 chain; minus strand). Cytogenetic location: 17q21.33.
Variant type: single nucleotide variant.
Coding change: c.*88T>C on transcript NM_000088.4 (MANE Select); 88 bases downstream of the stop codon, T replaced by C.
Molecular consequence: 3 prime UTR variant.
Genome position (GRCh38, 1-based): chr17:50,185,414, A>G on the plus strand (T>C on the coding strand, the complement: COL1A1 is on the minus strand). VCF-style: chr17-50185414-A-G. GRCh37 (hg19) VCF-style: chr17-48262775-A-G.
Identifiers: ClinVar variation 324093 (VCV000324093.7), dbSNP rs1061237, ClinGen allele CA10649650.